The following is an entry in ClinVar:

ClinVar aggregate classification (germline): Likely pathogenic. Review status: criteria provided, single submitter (1 of 4 stars). 2 submissions from 2 submitters: Likely pathogenic (1). 1 of the submissions does not count toward it. Last evaluated 2024-12-06.

Conditions:
Carnitine palmitoyl transferase 1A deficiency. Also called: CPT I DEFICIENCY; CPT DEFICIENCY, HEPATIC, TYPE I; Carnitine palmitoyltransferase type I deficiency; Carnitine palmitoyltransferase 1A deficiency; CPT deficiency, hepatic, type IA. Identifiers: Orphanet 156, MedGen C1829703, MONDO:0009705, OMIM 255120.

Allele frequency attached by ClinVar (database versions not stated): gnomAD exomes below 0.00001.
gnomAD v4.1: 2 of 1,607,928 alleles (0.00012%); highest among the groups gnomAD compares: Non-Finnish European, 0.00017%; no homozygotes.

Submissions (2):

Natera, Inc.
Classification: Likely pathogenic for Carnitine palmitoyltransferase type I deficiency. Last evaluated: 2024-12-06. Review status: criteria provided, single submitter. Criteria: Natera Variant Classification Schema (03/2026). Collection method: clinical testing. Allele origin: germline.
Comment: The c.967+2T>C variant in CPT1A is a canonical splice donor site variant predicted to affect pre-mRNA splicing, which may result in an abnormal transcript and altered protein product. This variant is expected to result in nonsense mediated decay, truncation, or a dysfunctional protein product. This variant is rare in the general population with a frequency below the threshold expected for the associated phenotype(s). Given the available evidence, this variant is classified as Likely Pathogenic.

Counsyl
Classification: Likely pathogenic for Carnitine palmitoyl transferase 1A deficiency. Last evaluated: 2018-02-13. Review status: no assertion criteria provided. Collection method: clinical testing. Allele origin: unknown. Not counted in ClinVar's aggregate classification.

NM_001876.4(CPT1A):c.967+2T>C

Gene: CPT1A (carnitine palmitoyltransferase 1A; minus strand). Cytogenetic location: 11q13.3.
Variant type: single nucleotide variant.
Coding change: c.967+2T>C on transcript NM_001876.4 (MANE Select); the canonical splice donor site of the intron after coding-DNA position 967, T replaced by C.
Molecular consequence: splice donor variant.
Genome position (GRCh38, 1-based): chr11:68,793,313, A>G on the plus strand (T>C on the coding strand, the complement: CPT1A is on the minus strand). VCF-style: chr11-68793313-A-G. GRCh37 (hg19) VCF-style: chr11-68560781-A-G.
Other names: c.967+2T>C (NM_001031847.3).
Identifiers: ClinVar variation 556700 (VCV000556700.3), dbSNP rs1224226554, ClinGen allele CA381634132.
Genomic context (GRCh38, chr11:68,793,313, plus strand): 5'-ATTCTGAGCATAGGGATGGAAAGTGCCGATTCTCCAGGGGGCCCTGAAGAAGCTTGACTC[A>G]CCTGTCTCCTCTCCTGGGATCCGGGAAGTATTAAACATCCGCTCCCACTGAGCGGAGCAG-3'